The following is an entry in ClinVar:

ClinVar aggregate classification (germline): Uncertain significance (1 of 4 stars; one submission).

Conditions:
Familial renal glucosuria (GLYS). Also called: RENAL GLUCOSURIA, AUTOSOMAL DOMINANT; Familial renal glycosuria. Identifiers: Orphanet 69076, MedGen C3245525, MONDO:0009297, OMIM 233100.

gnomAD v4.1: 1 of 1,614,074 alleles (0.000062%); highest among the groups gnomAD compares: Non-Finnish European, 0.000085%; no homozygotes.

Submission:

MVZ Medizinische Genetik Mainz
Classification: Uncertain significance for Familial renal glucosuria. Last evaluated: 2023-07-12. Review status: criteria provided, single submitter. Criteria: UK Practice Guidelines For Variant Classification V4 01 2020. Collection method: clinical testing. Allele origin: germline. Inheritance: Autosomal recessive inheritance. Affected: yes. Observed: 1 variant allele.
Comment: PP3_MOD,PM2_SUP,PP4

NM_003041.4(SLC5A2):c.959T>C (p.Leu320Pro)

Gene: SLC5A2 (solute carrier family 5 member 2; plus strand). Cytogenetic location: 16p11.2.
Variant type: single nucleotide variant.
Coding change: c.959T>C on transcript NM_003041.4 (MANE Select); coding-DNA position 959, T replaced by C.
Protein change: p.Leu320Pro; replaces leucine 320 with proline.
Molecular consequence: missense variant. On other transcripts: non-coding transcript variant (1).
Genome position (GRCh38, 1-based): chr16:31,488,111, T>C. VCF-style: chr16-31488111-T-C. GRCh37 (hg19) VCF-style: chr16-31499432-T-C.
Other names: short protein forms L320P.
Identifiers: ClinVar variation 3061886 (VCV003061886.1), dbSNP rs1276174808, ClinGen allele CA395754110.
Genomic context (GRCh38, chr16:31,488,111, plus strand): 5'-GCTGCCTGGCCGGGAAGAGCCTGACCCACATCAAGGCGGGCTGCATCCTGTGTGGGTACC[T>C]GAAGCTGACGCCCATGTTTCTCATGGTCATGCCAGGCATGATCAGCCGCATTCTGTACCC-3'
Protein context (NP_003032.1, residues 310-330): IKAGCILCGY[Leu320Pro]KLTPMFLMVM